The following is an entry in ClinVar:

NM_001987.5(ETV6):c.527T>C (p.Ile176Thr)

Gene: ETV6 (ETS variant transcription factor 6; plus strand). Cytogenetic location: 12p13.2.
Variant type: single nucleotide variant.
Coding change: c.527T>C on transcript NM_001987.5 (MANE Select); coding-DNA position 527, T replaced by C.
Protein change: p.Ile176Thr; replaces isoleucine 176 with threonine.
Molecular consequence: missense variant.
Genome position (GRCh38, 1-based): chr12:11,869,487, T>C. VCF-style: chr12-11869487-T-C. GRCh37 (hg19) VCF-style: chr12-12022421-T-C.
Other names: c.524T>C, p.Ile175Thr (NM_001413913.1); c.500T>C, p.Ile167Thr (NM_001413914.1); c.263T>C, p.Ile88Thr (NM_001413915.1); c.527T>C, p.Ile176Thr (NM_001413916.1, NM_001413917.1); short protein forms I167T, I175T, I176T, I88T.
Identifiers: ClinVar variation 3377769 (VCV003377769.3).

ClinVar aggregate classification (germline): Uncertain significance. Review status: criteria provided, multiple submitters, no conflicts (2 of 4 stars). 3 submissions from 3 submitters: Uncertain significance (3). Last evaluated 2025-06-04.

Conditions:
Thrombocytopenia 5 (THC5). Also called: THROMBOCYTOPENIA 5 WITH INCREASED SUSCEPTIBILITY TO MALIGNANCY; THROMBOCYTOPENIA, AUTOSOMAL DOMINANT, 5. Identifiers: MedGen C4015537, MONDO:0014536, OMIM 616216.
Inborn genetic diseases. Identifiers: MedGen C0950123, MeSH D030342.

gnomAD v4.1: 9 of 1,613,938 alleles (0.00056%); highest among the groups gnomAD compares: Admixed American, 0.005%; no homozygotes.

Submissions (3):

Labcorp Genetics (formerly Invitae), Labcorp
Classification: Uncertain significance. Last evaluated: 2025-06-04. Review status: criteria provided, single submitter. Criteria: Invitae Variant Classification Sherloc (09022015). Collection method: clinical testing. Allele origin: germline.
Comment: This sequence change replaces isoleucine, which is neutral and non-polar, with threonine, which is neutral and polar, at codon 176 of the ETV6 protein (p.Ile176Thr). This variant is present in population databases (no rsID available, gnomAD 0.01%). This variant has not been reported in the literature in individuals affected with ETV6-related conditions. ClinVar contains an entry for this variant (Variation ID: 3377769). Invitae Evidence Modeling of protein sequence and biophysical properties (such as structural, functional, and spatial information, amino acid conservation, physicochemical variation, residue mobility, and thermodynamic stability) indicates that this missense variant is not expected to disrupt ETV6 protein function with a negative predictive value of 80%. In summary, the available evidence is currently insufficient to determine the role of this variant in disease. Therefore, it has been classified as a Variant of Uncertain Significance.

Ambry Genetics
Classification: Uncertain significance for Inborn genetic diseases. Last evaluated: 2025-02-17. Review status: criteria provided, single submitter. Criteria: Ambry Variant Classification Scheme 2023. Collection method: clinical testing. Allele origin: germline.
Comment: The p.I176T variant (also known as c.527T>C), located in coding exon 5 of the ETV6 gene, results from a T to C substitution at nucleotide position 527. The isoleucine at codon 176 is replaced by threonine, an amino acid with similar properties. This amino acid position is highly conserved in available vertebrate species. In addition, the in silico prediction for this alteration is inconclusive. Based on the available evidence, the clinical significance of this variant remains unclear.

St. Jude Molecular Pathology, St. Jude Children's Research Hospital
Classification: Uncertain significance for Thrombocytopenia 5. Last evaluated: 2024-06-22. Review status: criteria provided, single submitter. Criteria: St. Jude Assertion Criteria 2020. Collection method: clinical testing. Allele origin: germline.
Comment: The ETV6 c.527T>C (p.Ile176Thr) missense change is absent in gnomAD v2.1.1. The in silico tool REVEL predicts a benign effect on protein function, but to our knowledge this prediction has not been confirmed by functional studies. This variant was reported as somatic in an individual with hyperdiploid acute lymphoblastic leukemia and observed to co-occur with an ETV6 deletion (PMID: 29034503). To our knowledge, this variant has not been reported in individuals with ETV6-related hereditary thrombocytopenia. In summary, the evidence currently available is insufficient to determine the clinical significance of this variant. It has therefore been classified as of uncertain significance.